The following is an entry in ClinVar:

ClinVar aggregate classification (germline): Uncertain significance. Review status: criteria provided, multiple submitters, no conflicts (2 of 4 stars). 2 submissions from 2 submitters: Uncertain significance (2). Last evaluated 2025-12-21.

Conditions:
Telangiectasia, hereditary hemorrhagic, type 1 (HHT1). Also called: Osler Weber Rendu syndrome type 1; ENG-Related Hereditary Hemorrhagic Telangiectasia. Identifiers: Orphanet 774, MedGen C4551861, MONDO:0008535, OMIM 187300. Disease mechanism: loss of function.
Cardiovascular phenotype. Identifiers: MedGen CN230736.

Submissions (2):

Ambry Genetics
Classification: Uncertain significance for Cardiovascular phenotype. Last evaluated: 2025-12-21. Review status: criteria provided, single submitter. Criteria: Ambry Variant Classification Scheme 2023. Collection method: clinical testing. Allele origin: germline.
Comment: The p.S167R variant (also known as c.501C>A), located in coding exon 4 of the ENG gene, results from a C to A substitution at nucleotide position 501. The serine at codon 167 is replaced by arginine, an amino acid with dissimilar properties. This amino acid position is conserved. In addition, this alteration is predicted to be tolerated by in silico analysis. Based on the available evidence, the clinical significance of this variant remains unclear.

ARUP Laboratories, Molecular Genetics and Genomics, ARUP Laboratories
Classification: Uncertain significance for Telangiectasia, hereditary hemorrhagic, type 1. Last evaluated: 2020-11-25. Review status: criteria provided, single submitter. Criteria: ARUP Molecular Germline Variant Investigation Process 2021. Collection method: clinical testing. Allele origin: germline.
Comment: The ENG c.501C>A; p.Ser167Arg variant, to our knowledge, is not reported in the medical literature or gene specific databases. This variant is also absent from general population databases (Exome Variant Server, Genome Aggregation Database), indicating it is not a common polymorphism. The serine at codon 167 is weakly conserved, and computational analyses predict that this variant is neutral (REVEL: 0.057). Due to limited information, the clinical significance of the p.Ser167Arg variant is uncertain at this time.

NM_001114753.3(ENG):c.501C>A (p.Ser167Arg)

Gene: ENG (endoglin; minus strand). Cytogenetic location: 9q34.11.
Variant type: single nucleotide variant.
Coding change: c.501C>A on transcript NM_001114753.3 (MANE Select); coding-DNA position 501, C replaced by A.
Protein change: p.Ser167Arg; replaces serine 167 with arginine.
Molecular consequence: missense variant. On other transcripts: 5 prime UTR variant (1).
Genome position (GRCh38, 1-based): chr9:127,826,532, G>T on the plus strand (C>A on the coding strand, the complement: ENG is on the minus strand). VCF-style: chr9-127826532-G-T. GRCh37 (hg19) VCF-style: chr9-130588811-G-T.
Other names: c.501C>A, p.Ser167Arg (NM_000118.4, NM_001406715.1); c.-46C>A (NM_001278138.2); c.501C>A (NM_001114753.1); short protein forms S167R.
Identifiers: ClinVar variation 1330882 (VCV001330882.8), dbSNP rs1830619812, ClinGen allele CA374984136.
Genomic context (GRCh38, chr9:127,826,532, plus strand): 5'-AGTATCATGAGCCCAGAGAGGTTGCTGGGGAAACTGACCTTGGCCCAGTCGGAGGAGGAT[G>T]CTCTGGGGGTCATTCAGCTCAGCAGCAGAGGTGATGGGGCCCCTCTCAGCTGCCCACTCA-3'
Protein context (NP_001108225.1, residues 157-177): TSAAELNDPQ[Ser167Arg]ILLRLGQAQG